The following is an entry in ClinVar:

NM_198075.4(LRRC56):c.1109A>G (p.Glu370Gly)

Gene: LRRC56 (leucine rich repeat containing 56; plus strand). Cytogenetic location: 11p15.5.
Variant type: single nucleotide variant.
Coding change: c.1109A>G on transcript NM_198075.4 (MANE Select); coding-DNA position 1109, A replaced by G.
Protein change: p.Glu370Gly; replaces glutamic acid 370 with glycine.
Molecular consequence: missense variant.
Genome position (GRCh38, 1-based): chr11:552,160, A>G. VCF-style: chr11-552160-A-G. GRCh37 (hg19) VCF-style: chr11-552160-A-G.
Other names: short protein forms E370G.
Identifiers: ClinVar variation 2178591 (VCV002178591.2), dbSNP rs934944767, ClinGen allele CA216896892.

ClinVar aggregate classification (germline): Uncertain significance (1 of 4 stars; one submission).

Allele frequency attached by ClinVar (database versions not stated): gnomAD exomes 0.00001; gnomAD 0.00005; TOPMed 0.00014.
gnomAD v4.1: 30 of 1,612,566 alleles (0.0019%); highest among the groups gnomAD compares: Admixed American, 0.03%; no homozygotes.

Submission:

Labcorp Genetics (formerly Invitae), Labcorp
Classification: Uncertain significance. Last evaluated: 2025-12-03. Review status: criteria provided, single submitter. Criteria: Invitae Variant Classification Sherloc (09022015). Collection method: clinical testing. Allele origin: germline.
Comment: This sequence change replaces glutamic acid, which is acidic and polar, with glycine, which is neutral and non-polar, at codon 370 of the LRRC56 protein (p.Glu370Gly). This variant is present in population databases (no rsID available, gnomAD 0.003%). This variant has not been reported in the literature in individuals affected with LRRC56-related conditions. ClinVar contains an entry for this variant (Variation ID: 2178591). Invitae Evidence Modeling of protein sequence and biophysical properties (such as structural, functional, and spatial information, amino acid conservation, physicochemical variation, residue mobility, and thermodynamic stability) indicates that this missense variant is not expected to disrupt LRRC56 protein function with a negative predictive value of 80%. In summary, the available evidence is currently insufficient to determine the role of this variant in disease. Therefore, it has been classified as a Variant of Uncertain Significance.